The following is an entry in ClinVar:

ClinVar aggregate classification (germline): Conflicting classifications of pathogenicity. Review status: criteria provided, conflicting classifications (1 of 4 stars). 2 submissions from 2 submitters: Likely pathogenic (1); Uncertain significance (1). Last evaluated 2024-09-06.

Conditions:
Hereditary cancer-predisposing syndrome. Also called: Hereditary neoplastic syndrome; Hereditary Cancer Syndrome; Tumor predisposition; Neoplastic Syndromes, Hereditary. Identifiers: Orphanet 140162, MedGen C0027672, MeSH D009386, MONDO:0015356.
Hereditary pheochromocytoma and paraganglioma. Also called: Hereditary pheochromocytoma-paraganglioma; Hereditary Paraganglioma-Pheochromocytoma Syndromes; Hereditary paragangliomas and pheochromocytomas. Identifiers: Orphanet 29072, MedGen C4274332, MONDO:0017366.

Submissions (2):

Ambry Genetics
Classification: Likely pathogenic for Hereditary cancer-predisposing syndrome. Last evaluated: 2024-09-06. Review status: criteria provided, single submitter. Criteria: Ambry Variant Classification Scheme 2023. Collection method: clinical testing. Allele origin: germline.
Comment: The p.S40F variant (also known as c.119C>T), located in coding exon 1 of the TMEM127 gene, results from a C to T substitution at nucleotide position 119. The serine at codon 40 is replaced by phenylalanine, an amino acid with highly dissimilar properties. This alteration has been observed individuals with a pheochromocytoma or paraganglioma (Yonamine M et al. Cancers (Basel). 2021 Aug;13; Saitoh K et al. Endocrinol Diabetes Metab Case Rep. 2017 Apr;2017: Ambry internal data). This amino acid position is highly conserved in available vertebrate species. In addition, this alteration is predicted to be deleterious by in silico analysis. Based on the majority of available evidence to date, this variant is likely to be pathogenic.

Labcorp Genetics (formerly Invitae), Labcorp
Classification: Uncertain significance for Hereditary pheochromocytoma and paraganglioma. Last evaluated: 2024-07-30. Review status: criteria provided, single submitter. Criteria: Invitae Variant Classification Sherloc (09022015). Collection method: clinical testing. Allele origin: germline.
Comment: This sequence change replaces serine, which is neutral and polar, with phenylalanine, which is neutral and non-polar, at codon 40 of the TMEM127 protein (p.Ser40Phe). This variant is not present in population databases (gnomAD no frequency). This missense change has been observed in individual(s) with pheochromocytoma (PMID: 28458909). ClinVar contains an entry for this variant (Variation ID: 958508). An algorithm developed to predict the effect of missense changes on protein structure and function (PolyPhen-2) suggests that this variant is likely to be tolerated. In summary, the available evidence is currently insufficient to determine the role of this variant in disease. Therefore, it has been classified as a Variant of Uncertain Significance.

Literature cited by the submitters: PubMed 28458909 (cited by Ambry Genetics and Labcorp Genetics (formerly Invitae), Labcorp); PubMed 34439168 (cited by Ambry Genetics).

NM_017849.4(TMEM127):c.119C>T (p.Ser40Phe)

Genes: TMEM127 (transmembrane protein 127; minus strand), LOC129934333 (ATAC-STARR-seq lymphoblastoid silent region 11759; plus strand). Cytogenetic location: 2q11.2.
Variant type: single nucleotide variant.
Coding change: c.119C>T on transcript NM_017849.4 (MANE Select); coding-DNA position 119, C replaced by T.
Protein change: p.Ser40Phe; replaces serine 40 with phenylalanine.
Molecular consequence: missense variant.
Genome position (GRCh38, 1-based): chr2:96,265,263, G>A on the plus strand (C>T on the coding strand, the complement: TMEM127 is on the minus strand). VCF-style: chr2-96265263-G-A. GRCh37 (hg19) VCF-style: chr2-96931001-G-A.
Other names: c.119C>T, p.Ser40Phe (NM_001193304.3); short protein forms S40F.
Identifiers: ClinVar variation 958508 (VCV000958508.13), dbSNP rs1684392721, ClinGen allele CA347656076.